The following is an entry in ClinVar:

NM_025074.7(FRAS1):c.527G>A (p.Arg176Gln)

Gene: FRAS1 (Fraser extracellular matrix complex subunit 1; plus strand). Cytogenetic location: 4q21.21.
Variant type: single nucleotide variant.
Coding change: c.527G>A on transcript NM_025074.7 (MANE Select); coding-DNA position 527, G replaced by A.
Protein change: p.Arg176Gln; replaces arginine 176 with glutamine.
Molecular consequence: missense variant.
Genome position (GRCh38, 1-based): chr4:78,255,299, G>A. VCF-style: chr4-78255299-G-A. GRCh37 (hg19) VCF-style: chr4-79176453-G-A.
Other names: c.527G>A, p.Arg176Gln (NM_001166133.2); short protein forms R176Q.
Identifiers: ClinVar variation 906103 (VCV000906103.44), dbSNP rs183328334, ClinGen allele CA2975982.

ClinVar aggregate classification (germline): Conflicting classifications of pathogenicity. Review status: criteria provided, conflicting classifications (1 of 4 stars). 10 submissions from 10 submitters: Uncertain significance (2); Likely benign (4). 4 of the submissions do not count toward it. Last evaluated 2026-01-28.

Conditions:
Fraser syndrome 1 (FRASRS1). Also called: CRYPTOPHTHALMOS WITH OTHER MALFORMATIONS. Identifiers: Orphanet 2052, MedGen C4551480, MONDO:0054737, OMIM 219000.
FRAS1-related disorder. Also called: FRAS1-related condition.

Allele frequency attached by ClinVar (database versions not stated): 1000 Genomes Project 0.00040; ESP Exome Variant Server 0.00058; gnomAD exomes 0.00068; TOPMed 0.00090; gnomAD 0.00091 and 0.00096; 1000 Genomes Project 30x 0.00094; ExAC 0.00108.
gnomAD v4.1: 1,256 of 1,561,492 alleles (0.08%); highest among the groups gnomAD compares: Middle Eastern, 0.27%; 5 homozygotes.

Submissions (10):

Labcorp Genetics (formerly Invitae), Labcorp
Classification: Likely benign. Last evaluated: 2026-01-28. Review status: criteria provided, single submitter. Criteria: Invitae Variant Classification Sherloc (09022015). Collection method: clinical testing. Allele origin: germline.

GeneDx
Classification: Uncertain significance. Last evaluated: 2026-01-22. Review status: criteria provided, single submitter. Criteria: GeneDx Variant Classification Process June 2021. Collection method: clinical testing. Allele origin: germline.
Comment: In silico analysis suggests that this missense variant does not alter protein structure/function; Has not been previously published in association with an FRAS1-related disorder to our knowledge; This variant is associated with the following publications: (PMID: 28719003, 26740555)

CeGaT Center for Human Genetics Tuebingen
Classification: Likely benign. Last evaluated: 2025-07-01. Review status: criteria provided, single submitter. Criteria: CeGaT Center For Human Genetics Tuebingen Variant Classification Criteria Version 2. Collection method: clinical testing. Allele origin: germline. Affected: yes. Observed: 2 variant alleles.
Comment: FRAS1: BP4, BS2

Blueprint Genetics
Classification: Likely benign. Last evaluated: 2024-11-21. Review status: criteria provided, single submitter. Criteria: ACMG Guidelines, 2015. Collection method: clinical testing. Allele origin: germline.

Department of Pathology and Laboratory Medicine, Sinai Health System
Classification: Likely benign for Fraser syndrome 1. Last evaluated: 2021-07-30. Review status: criteria provided, single submitter. Criteria: ACMG Guidelines, 2015. Collection method: research. Allele origin: germline.

Illumina Laboratory Services, Illumina
Classification: Uncertain significance for Fraser syndrome 1. Last evaluated: 2017-04-27. Review status: criteria provided, single submitter. Criteria: ICSL Variant Classification Criteria 13 December 2019. Collection method: clinical testing. Allele origin: germline.

PreventionGenetics, part of Exact Sciences
Classification: Likely benign for FRAS1-related condition. Last evaluated: 2020-07-22. Review status: no assertion criteria provided. Collection method: clinical testing. Allele origin: germline. Not counted in ClinVar's aggregate classification.
Comment: This variant is classified as likely benign based on ACMG/AMP sequence variant interpretation guidelines (Richards et al. 2015 PMID: 25741868, with internal and published modifications).

Clinical Genetics DNA and cytogenetics Diagnostics Lab, Erasmus MC, Erasmus Medical Center
Classification: Likely benign. Review status: no assertion criteria provided. Collection method: clinical testing. Allele origin: germline. Affected: yes. Study: VKGL Data-share Consensus. Not counted in ClinVar's aggregate classification.

Genome Diagnostics Laboratory, University Medical Center Utrecht
Classification: Likely benign. Review status: no assertion criteria provided. Collection method: clinical testing. Allele origin: germline. Affected: yes. Study: VKGL Data-share Consensus. Not counted in ClinVar's aggregate classification.

Laboratory of Diagnostic Genome Analysis, Leiden University Medical Center (LUMC)
Classification: Likely benign. Review status: no assertion criteria provided. Collection method: clinical testing. Allele origin: germline. Affected: yes. Study: VKGL Data-share Consensus. Not counted in ClinVar's aggregate classification.